The following is an entry in ClinVar:

NM_000088.4(COL1A1):c.1879C>T (p.Pro627Ser)

Gene: COL1A1 (collagen type I alpha 1 chain; minus strand). Cytogenetic location: 17q21.33.
Variant type: single nucleotide variant.
Coding change: c.1879C>T on transcript NM_000088.4 (MANE Select); coding-DNA position 1879, C replaced by T.
Protein change: p.Pro627Ser; replaces proline 627 with serine.
Molecular consequence: missense variant.
Genome position (GRCh38, 1-based): chr17:50,192,690, G>A on the plus strand (C>T on the coding strand, the complement: COL1A1 is on the minus strand). VCF-style: chr17-50192690-G-A. GRCh37 (hg19) VCF-style: chr17-48270051-G-A.
Other names: p.Pro627Ser; short protein forms P627S.
Identifiers: ClinVar variation 2632580 (VCV002632580.5), dbSNP rs765449262, ClinGen allele CA8645027.

ClinVar aggregate classification (germline): Uncertain significance. Review status: criteria provided, multiple submitters, no conflicts (2 of 4 stars). 5 submissions from 5 submitters: Uncertain significance (5). Last evaluated 2026-04-20.

Conditions:
COL1A1-related disorder. Also called: COL1A1- related disease; COL1A1-related condition.
Osteogenesis imperfecta type I (OI1). Also called: OI, TYPE I; OSTEOGENESIS IMPERFECTA TARDA; OSTEOGENESIS IMPERFECTA WITH BLUE SCLERAE; Osteogenesis imperfecta type 1; Lobstein's Disease; Lobstein disease. Identifiers: Orphanet 216796, Orphanet 666, MedGen C0023931, MONDO:0008146, OMIM 166200. Disease mechanism: loss of function.
Cardiovascular phenotype. Identifiers: MedGen CN230736.

Allele frequency attached by ClinVar (database versions not stated): gnomAD 0.00001; TOPMed 0.00001.
gnomAD v4.1: 14 of 1,614,100 alleles (0.00087%); highest among the groups gnomAD compares: Non-Finnish European, 0.0012%; no homozygotes.

Submissions (5):

Women's Health and Genetics/Laboratory Corporation of America, LabCorp
Classification: Uncertain significance. Last evaluated: 2026-04-20. Review status: criteria provided, single submitter. Criteria: LabCorp Variant Classification Summary - May 2015. Collection method: clinical testing. Allele origin: germline.
Comment: Variant summary: COL1A1 c.1879C>T (p.Pro627Ser) results in a non-conservative amino acid change in the encoded protein sequence. Algorithms developed to predict the effect of missense changes on protein structure and function all suggest that this variant is likely to be disruptive. The variant was absent in 251424 control chromosomes. The available data on variant occurrences in the general population are insufficient to allow any conclusion about variant significance. To our knowledge, no occurrence of c.1879C>T in individuals affected with COL1A1-related conditions and no experimental evidence demonstrating its impact on protein function have been reported. ClinVar contains an entry for this variant (Variation ID: 2632580). Based on the evidence outlined above, the variant was classified as uncertain significance.

Ambry Genetics
Classification: Uncertain significance for Cardiovascular phenotype. Last evaluated: 2025-12-03. Review status: criteria provided, single submitter. Criteria: Ambry Variant Classification Scheme 2023. Collection method: clinical testing. Allele origin: germline.
Comment: The p.P627S variant (also known as c.1879C>T), located in coding exon 28 of the COL1A1 gene, results from a C to T substitution at nucleotide position 1879. The proline at codon 627 is replaced by serine, an amino acid with similar properties. This amino acid position is well conserved in available vertebrate species. In addition, the in silico prediction for this alteration is inconclusive. Based on the available evidence, the clinical significance of this variant remains unclear.

Labcorp Genetics (formerly Invitae), Labcorp
Classification: Uncertain significance for Osteogenesis imperfecta type I. Last evaluated: 2025-07-27. Review status: criteria provided, single submitter. Criteria: Invitae Variant Classification Sherloc (09022015). Collection method: clinical testing. Allele origin: germline.
Comment: This sequence change replaces proline, which is neutral and non-polar, with serine, which is neutral and polar, at codon 627 of the COL1A1 protein (p.Pro627Ser). This variant is present in population databases (rs765449262, gnomAD 0.0009%). This variant has not been reported in the literature in individuals affected with COL1A1-related conditions. ClinVar contains an entry for this variant (Variation ID: 2632580). Invitae Evidence Modeling of protein sequence and biophysical properties (such as structural, functional, and spatial information, amino acid conservation, physicochemical variation, residue mobility, and thermodynamic stability) indicates that this missense variant is not expected to disrupt COL1A1 protein function with a negative predictive value of 95%. In summary, the available evidence is currently insufficient to determine the role of this variant in disease. Therefore, it has been classified as a Variant of Uncertain Significance.

Mayo Clinic Laboratories, Mayo Clinic
Classification: Uncertain significance. Last evaluated: 2025-06-05. Review status: criteria provided, single submitter. Criteria: ACMG Guidelines, 2015. Collection method: clinical testing. Allele origin: germline. Observed: 1 variant allele.
Comment: PP2, PM2_supporting

PreventionGenetics, part of Exact Sciences
Classification: Uncertain significance for COL1A1-related condition. Last evaluated: 2023-06-02. Review status: criteria provided, single submitter. Criteria: ACMG Guidelines, 2015. Collection method: clinical testing. Allele origin: germline.
Comment: The COL1A1 c.1879C>T variant is predicted to result in the amino acid substitution p.Pro627Ser. To our knowledge, this variant has not been reported in the literature or in a large population database, indicating this variant is rare. At this time, the clinical significance of this variant is uncertain due to the absence of conclusive functional and genetic evidence.